The following is an entry in ClinVar:

NM_005334.3(HCFC1):c.4740C>T (p.Ser1580=)

Gene: HCFC1 (host cell factor C1; minus strand). Cytogenetic location: Xq28.
Variant type: single nucleotide variant.
Coding change: c.4740C>T on transcript NM_005334.3 (MANE Select); coding-DNA position 4740, C replaced by T.
Protein change: p.Ser1580=; no amino-acid change (serine 1580 retained).
Molecular consequence: synonymous variant.
Genome position (GRCh38, 1-based): chrX:153,952,716, G>A on the plus strand (C>T on the coding strand, the complement: HCFC1 is on the minus strand). VCF-style: chrX-153952716-G-A. GRCh37 (hg19) VCF-style: chrX-153218167-G-A.
Other names: c.4872C>T, p.Ser1624= (NM_001410705.1); c.4740C>T (NM_005334.2).
Identifiers: ClinVar variation 2728828 (VCV002728828.4), dbSNP rs201491654, ClinGen allele CA10556914.

ClinVar aggregate classification (germline): Benign/Likely benign. Review status: criteria provided, multiple submitters, no conflicts (2 of 4 stars). 2 submissions from 2 submitters: Benign (1); Likely benign (1). Last evaluated 2026-06-12.

Conditions:
HCFC1-related disorder. Also called: HCFC1-related condition.
Methylmalonic acidemia with homocystinuria, type cblX (MAHCX). Also called: INTELLECTUAL DEVELOPMENTAL DISORDER, X-LINKED 3. Identifiers: Orphanet 369962, MedGen C0796208, MONDO:0010657, OMIM 309541.

Allele frequency attached by ClinVar (database versions not stated): TOPMed 0.00002; gnomAD 0.00007; ExAC 0.00011; 1000 Genomes Project 30x 0.00021; 1000 Genomes Project 0.00026.
gnomAD v4.1: 109 of 1,208,890 alleles (0.009%); highest among the groups gnomAD compares: South Asian, 0.14%; no homozygotes.

Submissions (2):

PreventionGenetics, part of Exact Sciences
Classification: Likely benign for HCFC1-related condition. Last evaluated: 2026-06-12. Review status: criteria provided, single submitter. Criteria: ACMG Guidelines, 2015. Collection method: clinical testing. Allele origin: germline.
Comment: This variant is classified as likely benign based on ACMG/AMP sequence variant interpretation guidelines (Richards et al. 2015 PMID: 25741868, with internal and published modifications).

Labcorp Genetics (formerly Invitae), Labcorp
Classification: Benign for Methylmalonic acidemia with homocystinuria, type cblX. Last evaluated: 2024-02-23. Review status: criteria provided, single submitter. Criteria: Invitae Variant Classification Sherloc (09022015). Collection method: clinical testing. Allele origin: germline.